The following is an entry in ClinVar:

ClinVar aggregate classification (germline): Benign. Review status: criteria provided, multiple submitters, no conflicts (2 of 4 stars). 9 submissions from 9 submitters: Benign (7). 2 of the submissions do not count toward it. Last evaluated 2026-02-04.

Conditions:
Weill-Marchesani 4 syndrome, recessive. Also called: Weill-Marchesani syndrome 4. Identifiers: Orphanet 363992, MedGen C2750787, MONDO:0013176, OMIM 613195.

Allele frequency attached by ClinVar (database versions not stated): gnomAD exomes 0.72488 and 0.75115; ESP Exome Variant Server 0.74535; ExAC 0.75557; TOPMed 0.75642; gnomAD 0.75672 and 0.75981; 1000 Genomes Project 30x 0.81699; 1000 Genomes Project 0.82149.
gnomAD v4.1: 1,173,617 of 1,611,278 alleles (73%); highest among the groups gnomAD compares: East Asian, 90%; 429,738 homozygotes.

Submissions (9):

Labcorp Genetics (formerly Invitae), Labcorp
Classification: Benign. Last evaluated: 2026-02-04. Review status: criteria provided, single submitter. Criteria: Invitae Variant Classification Sherloc (09022015). Collection method: clinical testing. Allele origin: germline.

Blueprint Genetics
Classification: Benign. Last evaluated: 2024-11-27. Review status: criteria provided, single submitter. Criteria: ACMG Guidelines, 2015. Collection method: clinical testing. Allele origin: germline.

Mayo Clinic Laboratories, Mayo Clinic
Classification: Benign. Last evaluated: 2022-04-26. Review status: criteria provided, single submitter. Criteria: ACMG Guidelines, 2015. Collection method: clinical testing. Allele origin: germline. Observed: 676 variant alleles.

Genome-Nilou Lab
Classification: Benign for Weill-Marchesani 4 syndrome, recessive. Last evaluated: 2021-07-14. Review status: criteria provided, single submitter. Criteria: ACMG Guidelines, 2015. Collection method: clinical testing. Allele origin: germline. Affected: no.

GeneDx
Classification: Benign. Last evaluated: 2018-09-04. Review status: criteria provided, single submitter. Criteria: GeneDx Variant Classification Process June 2021. Collection method: clinical testing. Allele origin: germline. Affected: yes.

Illumina Laboratory Services, Illumina
Classification: Benign for Weill-Marchesani 4 syndrome, recessive. Last evaluated: 2018-01-12. Review status: criteria provided, single submitter. Criteria: ICSL Variant Classification Criteria 13 December 2019. Collection method: clinical testing. Allele origin: germline.
Comment: This variant was observed in the ICSL laboratory as part of a predisposition screen in an ostensibly healthy population. It had not been previously curated by ICSL or reported in the Human Gene Mutation Database (HGMD: prior to June 1st, 2018), and was therefore a candidate for classification through an automated scoring system. Utilizing variant allele frequency, disease prevalence and penetrance estimates, and inheritance mode, an automated score was calculated to assess if this variant is too frequent to cause the disease. Based on the score and internal cut-off values, a variant classified as benign is not then subjected to further curation. The score for this variant resulted in a classification of benign for this disease.

Breakthrough Genomics
Classification: Benign. Review status: criteria provided, single submitter. Criteria: ACMG Guidelines, 2015. Collection method: not provided. Allele origin: germline. Inheritance: Autosomal recessive inheritance. Affected: yes.

Diagnostic Laboratory, Department of Genetics, University Medical Center Groningen
Classification: Benign for Weill-Marchesani 4 syndrome, recessive. Review status: no assertion criteria provided. Collection method: clinical testing. Allele origin: germline. Affected: yes. Study: VKGL Data-share Consensus. Not counted in ClinVar's aggregate classification.

Genome Diagnostics Laboratory, Amsterdam University Medical Center
Classification: Benign. Review status: no assertion criteria provided. Collection method: clinical testing. Allele origin: germline. Affected: yes. Study: VKGL Data-share Consensus. Not counted in ClinVar's aggregate classification.

NM_139057.4(ADAMTS17):c.1053G>A (p.Lys351=)

Gene: ADAMTS17 (ADAM metallopeptidase with thrombospondin type 1 motif 17; minus strand). Cytogenetic location: 15q26.3.
Variant type: single nucleotide variant.
Coding change: c.1053G>A on transcript NM_139057.4 (MANE Select); coding-DNA position 1053, G replaced by A.
Protein change: p.Lys351=; no amino-acid change (lysine 351 retained).
Molecular consequence: synonymous variant.
Genome position (GRCh38, 1-based): chr15:100,254,158, C>T on the plus strand (G>A on the coding strand, the complement: ADAMTS17 is on the minus strand). VCF-style: chr15-100254158-C-T. GRCh37 (hg19) VCF-style: chr15-100794363-C-T.
Other names: p.Lys351=.
Identifiers: ClinVar variation 315303 (VCV000315303.21), dbSNP rs4369638, ClinGen allele CA7758418.